The following is an entry in ClinVar:

ClinVar aggregate classification (germline): Uncertain significance. Review status: criteria provided, multiple submitters, no conflicts (2 of 4 stars). 2 submissions from 2 submitters: Uncertain significance (2). Last evaluated 2025-08-03.

Conditions:
Epileptic encephalopathy. Identifiers: MedGen C0543888, HP:0200134.

Allele frequency attached by ClinVar (database versions not stated): gnomAD exomes 0.00001 and 0.00003; gnomAD 0.00005 and 0.00006; 1000 Genomes Project 0.00020; ExAC 0.00005; TOPMed 0.00006; 1000 Genomes Project 30x 0.00016.
gnomAD v4.1: 19 of 1,614,068 alleles (0.0012%); highest among the groups gnomAD compares: African/African-American, 0.023%; no homozygotes.

Submissions (2):

Ambry Genetics
Classification: Uncertain significance. Last evaluated: 2025-08-03. Review status: criteria provided, single submitter. Criteria: Ambry Variant Classification Scheme 2023. Collection method: clinical testing. Allele origin: germline.

Labcorp Genetics (formerly Invitae), Labcorp
Classification: Uncertain significance for Epileptic encephalopathy. Last evaluated: 2022-08-31. Review status: criteria provided, single submitter. Criteria: Invitae Variant Classification Sherloc (09022015). Collection method: clinical testing. Allele origin: germline.
Comment: In summary, the available evidence is currently insufficient to determine the role of this variant in disease. Therefore, it has been classified as a Variant of Uncertain Significance. Algorithms developed to predict the effect of missense changes on protein structure and function (SIFT, PolyPhen-2, Align-GVGD) all suggest that this variant is likely to be disruptive. ClinVar contains an entry for this variant (Variation ID: 850482). This variant has not been reported in the literature in individuals affected with RYR3-related conditions. This variant is present in population databases (rs534126465, gnomAD 0.04%). This sequence change replaces histidine, which is basic and polar, with tyrosine, which is neutral and polar, at codon 1709 of the RYR3 protein (p.His1709Tyr).

NM_001036.6(RYR3):c.5125C>T (p.His1709Tyr)

Gene: RYR3 (ryanodine receptor 3; plus strand). Cytogenetic location: 15q14.
Variant type: single nucleotide variant.
Coding change: c.5125C>T on transcript NM_001036.6 (MANE Select); coding-DNA position 5125, C replaced by T.
Protein change: p.His1709Tyr; replaces histidine 1709 with tyrosine.
Molecular consequence: missense variant.
Genome position (GRCh38, 1-based): chr15:33,662,655, C>T. VCF-style: chr15-33662655-C-T. GRCh37 (hg19) VCF-style: chr15-33954856-C-T.
Other names: c.5125C>T, p.His1709Tyr (NM_001243996.4); c.5125C>T (NM_001036.3); short protein forms H1709Y.
Identifiers: ClinVar variation 850482 (VCV000850482.11), dbSNP rs534126465, ClinGen allele CA7459185.
Genomic context (GRCh38, chr15:33,662,655, plus strand): 5'-GAGAGTCTCAGGACGAAGGCTCTGAGTATGCTGACAGAGGCAGTGCAGTGCAGCGGGGCC[C>T]ACATCCGAGACCCTGTAGGGGGGTCTGTGGAGTTCCAGTTTGTGCCTGTGCTGAAACTCA-3'
Protein context (NP_001027.3, residues 1699-1719): LTEAVQCSGA[His1709Tyr]IRDPVGGSVE